The following is an entry in ClinVar:

NM_025114.4(CEP290):c.1280C>T (p.Ala427Val)

Gene: CEP290 (centrosomal protein 290; minus strand). Cytogenetic location: 12q21.32.
Variant type: single nucleotide variant.
Coding change: c.1280C>T on transcript NM_025114.4 (MANE Select); coding-DNA position 1280, C replaced by T.
Protein change: p.Ala427Val; replaces alanine 427 with valine.
Molecular consequence: missense variant.
Genome position (GRCh38, 1-based): chr12:88,121,076, G>A on the plus strand (C>T on the coding strand, the complement: CEP290 is on the minus strand). VCF-style: chr12-88121076-G-A. GRCh37 (hg19) VCF-style: chr12-88514853-G-A.
Other names: short protein forms A427V.
Identifiers: ClinVar variation 1514052 (VCV001514052.6), dbSNP rs2039369004, ClinGen allele CA385980604.
Genomic context (GRCh38, chr12:88,121,076, plus strand): 5'-CTCTTCAGAGCCTCAACTAATTCTTTATCCTTTTCCCTAGCATCAGCCTCAGCCAGTTCA[G>A]CTGTTCTCTCAGCCTCTTTAGTTTTCTCTTTTAAAATGTCTAACGTTGACTGAATTTTCA-3'
Protein context (NP_079390.3, residues 417-437): KEKTKEAERT[Ala427Val]ELAEADAREK

ClinVar aggregate classification (germline): Uncertain significance (1 of 4 stars; one submission).

Conditions:
Nephronophthisis. Also called: Juvenile Nephronophthisis. Identifiers: Orphanet 655, MedGen C0687120, MONDO:0019005, HP:0000090.
Meckel-Gruber syndrome. Also called: DYSENCEPHALIA SPLANCHNOCYSTICA; GRUBER SYNDROME; Dysencephalia splachnocystica. Identifiers: Orphanet 564, MedGen C0265215, MONDO:0018921.
Joubert syndrome. Also called: CEREBELLOPARENCHYMAL DISORDER IV; JOUBERT-BOLTSHAUSER SYNDROME; Familial aplasia of the vermis. Identifiers: Orphanet 475, MedGen C5979921, MONDO:0018772.

Allele frequency attached by ClinVar (database versions not stated): gnomAD exomes below 0.00001; gnomAD 0.00001.
gnomAD v4.1: 3 of 1,613,426 alleles (0.00019%); highest among the groups gnomAD compares: East Asian, 0.0022%; no homozygotes.

Submission:

Labcorp Genetics (formerly Invitae), Labcorp
Classification: Uncertain significance for Joubert syndrome; Meckel-Gruber syndrome; Nephronophthisis. Last evaluated: 2021-11-19. Review status: criteria provided, single submitter. Criteria: Invitae Variant Classification Sherloc (09022015). Collection method: clinical testing. Allele origin: germline.
Comment: In summary, the available evidence is currently insufficient to determine the role of this variant in disease. Therefore, it has been classified as a Variant of Uncertain Significance. Algorithms developed to predict the effect of missense changes on protein structure and function are either unavailable or do not agree on the potential impact of this missense change (SIFT: "Tolerated"; PolyPhen-2: "Probably Damaging"; Align-GVGD: "Class C0"). This variant has not been reported in the literature in individuals affected with CEP290-related conditions. This variant is not present in population databases (gnomAD no frequency). This sequence change replaces alanine, which is neutral and non-polar, with valine, which is neutral and non-polar, at codon 427 of the CEP290 protein (p.Ala427Val).